The following is an entry in ClinVar:

NM_001303.4(COX10):c.981C>T (p.Asn327=)

Gene: COX10 (cytochrome c oxidase assembly factor heme A:farnesyltransferase COX10; plus strand). Cytogenetic location: 17p12.
Variant type: single nucleotide variant.
Coding change: c.981C>T on transcript NM_001303.4 (MANE Select); coding-DNA position 981, C replaced by T.
Protein change: p.Asn327=; no amino-acid change (asparagine 327 retained).
Molecular consequence: synonymous variant.
Genome position (GRCh38, 1-based): chr17:14,206,862, C>T. VCF-style: chr17-14206862-C-T. GRCh37 (hg19) VCF-style: chr17-14110179-C-T.
Other names: p.N327N:AAC>AAT.
Identifiers: ClinVar variation 137000 (VCV000137000.58), dbSNP rs146175179, ClinGen allele CA290460.
Genomic context (GRCh38, chr17:14,206,862, plus strand): 5'-CCGCACAGGCGCATTTCTCCTGGGAGGAATCCTCTACTCCTGGCAGTTTCCTCATTTCAA[C>T]GCCCTGAGCTGGGGCCTCCGTGAAGACTACTCCCGGGGCGGCTACTGCATGATGTCGGTC-3'
Protein context (NP_001294.2, residues 317-337): ILYSWQFPHF[Asn327=]ALSWGLREDY

ClinVar aggregate classification (germline): Conflicting classifications of pathogenicity. Review status: criteria provided, conflicting classifications (1 of 4 stars). 7 submissions from 6 submitters: Uncertain significance (2); Benign (1); Likely benign (3). 1 of the submissions does not count toward it. Last evaluated 2026-07-01.

Conditions:
Leigh syndrome (NULS). Also called: Leigh Syndrome (mtDNA deletion); Leigh's syndrome; Leigh's necrotizing encephalopathy; Leigh's disease; Leigh Disease; Subacute necrotizing encephalopathy. Identifiers: Orphanet 506, MedGen C2931891, MONDO:0009723, OMIM 256000.
Mitochondrial complex IV deficiency, nuclear type 1 (MC4DN1). Also called: COX DEFICIENCY; Mitochondrial complex IV deficiency; Complex 4 mitochondrial respiratory chain deficiency; Deficiency of mitochondrial respiratory chain complex4; Complex IV deficiency. Identifiers: MedGen C5435656, MONDO:0700250, OMIM 220110. Disease mechanism: loss of function.

Allele frequency attached by ClinVar (database versions not stated): 1000 Genomes Project 30x 0.00031; 1000 Genomes Project 0.00040; gnomAD 0.00083 and 0.00098; TOPMed 0.00102; gnomAD exomes 0.00104 and 0.00105; ESP Exome Variant Server 0.00108; ExAC 0.00132.
gnomAD v4.1: 1,691 of 1,614,162 alleles (0.1%); highest among the groups gnomAD compares: Middle Eastern, 0.33%; 4 homozygotes.

Submissions (7):

CeGaT Center for Human Genetics Tuebingen
Classification: Likely benign. Last evaluated: 2026-07-01. Review status: criteria provided, single submitter. Criteria: CeGaT Center For Human Genetics Tuebingen Variant Classification Criteria Version 2. Collection method: clinical testing. Allele origin: germline. Affected: yes. Observed: 8 variant alleles.
Comment: COX10: BP4, BP7

Labcorp Genetics (formerly Invitae), Labcorp
Classification: Likely benign. Last evaluated: 2026-01-26. Review status: criteria provided, single submitter. Criteria: Invitae Variant Classification Sherloc (09022015). Collection method: clinical testing. Allele origin: germline.

Blueprint Genetics
Classification: Likely benign. Last evaluated: 2024-11-26. Review status: criteria provided, single submitter. Criteria: ACMG Guidelines, 2015. Collection method: clinical testing. Allele origin: germline.

Illumina Laboratory Services, Illumina
Classification: Uncertain significance for Mitochondrial complex IV deficiency, nuclear type 1. Last evaluated: 2018-01-13. Review status: criteria provided, single submitter. Criteria: ICSL Variant Classification Criteria 13 December 2019. Collection method: clinical testing. Allele origin: germline.

Illumina Laboratory Services, Illumina
Classification: Uncertain significance for Leigh syndrome. Last evaluated: 2018-01-13. Review status: criteria provided, single submitter. Criteria: ICSL Variant Classification Criteria 13 December 2019. Collection method: clinical testing. Allele origin: germline.

GeneDx
Classification: Benign. Last evaluated: 2014-04-21. Review status: criteria provided, single submitter. Criteria: GeneDx Variant Classification (06012015). Collection method: clinical testing. Allele origin: germline. Affected: yes.
Comment: This variant is considered likely benign or benign based on one or more of the following criteria: it is a conservative change, it occurs at a poorly conserved position in the protein, it is predicted to be benign by multiple in silico algorithms, and/or has population frequency not consistent with disease.

Mayo Clinic Laboratories, Mayo Clinic
Classification: Likely benign. Last evaluated: 2017-10-12. Review status: no assertion criteria provided. Collection method: clinical testing. Allele origin: unknown. Not counted in ClinVar's aggregate classification.